The following is an entry in ClinVar:

ClinVar aggregate classification (germline): Uncertain significance. Review status: criteria provided, multiple submitters, no conflicts (2 of 4 stars). 2 submissions from 2 submitters: Uncertain significance (2). Last evaluated 2024-10-16.

Conditions:
Hereditary pancreatitis (PCTT). Also called: Hereditary chronic pancreatitis; PRSS1-Related Hereditary Pancreatitis. Identifiers: Orphanet 676, MedGen C0238339, MONDO:0008185, OMIM 167800.

Allele frequency attached by ClinVar (database versions not stated): gnomAD exomes below 0.00001 and 0.00001; ExAC 0.00001; gnomAD 0.00001; TOPMed 0.00001.
gnomAD v4.1: 8 of 1,613,204 alleles (0.0005%); highest among the groups gnomAD compares: East Asian, 0.018%; no homozygotes.

Submissions (2):

Labcorp Genetics (formerly Invitae), Labcorp
Classification: Uncertain significance for Hereditary pancreatitis. Last evaluated: 2024-10-16. Review status: criteria provided, single submitter. Criteria: Invitae Variant Classification Sherloc (09022015). Collection method: clinical testing. Allele origin: germline.
Comment: This sequence change replaces asparagine, which is neutral and polar, with histidine, which is basic and polar, at codon 37 of the SPINK1 protein (p.Asn37His). This variant is present in population databases (rs761739859, gnomAD 0.01%). This variant has not been reported in the literature in individuals affected with SPINK1-related conditions. ClinVar contains an entry for this variant (Variation ID: 459188). An algorithm developed to predict the effect of missense changes on protein structure and function (PolyPhen-2) suggests that this variant is likely to be tolerated. In summary, the available evidence is currently insufficient to determine the role of this variant in disease. Therefore, it has been classified as a Variant of Uncertain Significance.

Ambry Genetics
Classification: Uncertain significance for Hereditary pancreatitis. Last evaluated: 2023-12-21. Review status: criteria provided, single submitter. Criteria: Ambry Variant Classification Scheme 2023. Collection method: clinical testing. Allele origin: germline.
Comment: The p.N37H variant (also known as c.109A>C), located in coding exon 3 of the SPINK1 gene, results from an A to C substitution at nucleotide position 109. The asparagine at codon 37 is replaced by histidine, an amino acid with similar properties. This amino acid position is conserved. In addition, this alteration is predicted to be tolerated by in silico analysis. Since supporting evidence is limited at this time, the clinical significance of this alteration remains unclear.

NM_001379610.1(SPINK1):c.109A>C (p.Asn37His)

Gene: SPINK1 (serine peptidase inhibitor Kazal type 1; minus strand). Cytogenetic location: 5q32.
Variant type: single nucleotide variant.
Coding change: c.109A>C on transcript NM_001379610.1 (MANE Select); coding-DNA position 109, A replaced by C.
Protein change: p.Asn37His; replaces asparagine 37 with histidine.
Molecular consequence: missense variant.
Genome position (GRCh38, 1-based): chr5:147,828,107, T>G on the plus strand (A>C on the coding strand, the complement: SPINK1 is on the minus strand). VCF-style: chr5-147828107-T-G. GRCh37 (hg19) VCF-style: chr5-147207670-T-G.
Other names: c.109A>C, p.Asn37His (NM_001354966.2, NM_003122.5); short protein forms N37H.
Identifiers: ClinVar variation 459188 (VCV000459188.10), dbSNP rs761739859, ClinGen allele CA3494791.